The following is an entry in ClinVar:

NM_000388.4(CASR):c.185+4A>G

Gene: CASR (calcium sensing receptor; plus strand). Cytogenetic location: 3q21.1.
Variant type: single nucleotide variant.
Coding change: c.185+4A>G on transcript NM_000388.4 (MANE Select); 4 bases into the intron after coding-DNA position 185, A replaced by G.
Molecular consequence: intron variant.
Genome position (GRCh38, 1-based): chr3:122,254,378, A>G. VCF-style: chr3-122254378-A-G. GRCh37 (hg19) VCF-style: chr3-121973225-A-G.
Other names: c.185+4A>G (NM_001178065.2).
Identifiers: ClinVar variation 933716 (VCV000933716.8), dbSNP rs1576852377, ClinGen allele CA1052950460.

ClinVar aggregate classification (germline): Uncertain significance (1 of 4 stars; one submission).

Conditions:
Autosomal dominant hypocalcemia 1 (HYPOC1). Also called: HYPOCALCEMIA, FAMILIAL. Identifiers: MedGen C3715128, MONDO:0011013, OMIM 601198.
Familial hypocalciuric hypercalcemia (FHH). Also called: Familial benign hypercalcemia. Identifiers: Orphanet 405, MedGen C1809471, MONDO:0018458.

Allele frequency attached by ClinVar (database versions not stated): gnomAD exomes below 0.00001; TOPMed below 0.00001; gnomAD 0.00001.
gnomAD v4.1: 2 of 1,613,716 alleles (0.00012%); highest among the groups gnomAD compares: African/African-American, 0.0013%; no homozygotes.

Submission:

Labcorp Genetics (formerly Invitae), Labcorp
Classification: Uncertain significance for Familial hypocalciuric hypercalcemia; Autosomal dominant hypocalcemia 1. Last evaluated: 2022-07-19. Review status: criteria provided, single submitter. Criteria: Invitae Variant Classification Sherloc (09022015). Collection method: clinical testing. Allele origin: germline.
Comment: In summary, the available evidence is currently insufficient to determine the role of this variant in disease. Therefore, it has been classified as a Variant of Uncertain Significance. Variants that disrupt the consensus splice site are a relatively common cause of aberrant splicing (PMID: 17576681, 9536098). Algorithms developed to predict the effect of sequence changes on RNA splicing suggest that this variant is not likely to affect RNA splicing. ClinVar contains an entry for this variant (Variation ID: 933716). This variant has not been reported in the literature in individuals affected with CASR-related conditions. This variant is not present in population databases (gnomAD no frequency). This sequence change falls in intron 2 of the CASR gene. It does not directly change the encoded amino acid sequence of the CASR protein. It affects a nucleotide within the consensus splice site.

Literature cited by the submitters: PubMed 17576681; PubMed 9536098.